The following is an entry in ClinVar:

NM_000059.4(BRCA2):c.7358A>G (p.Glu2453Gly)

Gene: BRCA2 (BRCA2 DNA repair associated; plus strand). Cytogenetic location: 13q13.1.
Variant type: single nucleotide variant.
Coding change: c.7358A>G on transcript NM_000059.4 (MANE Select); coding-DNA position 7358, A replaced by G.
Protein change: p.Glu2453Gly; replaces glutamic acid 2453 with glycine.
Molecular consequence: missense variant. On other transcripts: non-coding transcript variant (1).
Genome position (GRCh38, 1-based): chr13:32,355,211, A>G. VCF-style: chr13-32355211-A-G. GRCh37 (hg19) VCF-style: chr13-32929348-A-G.
Other names: c.7262A>G, p.Glu2421Gly (NM_001406719.1); c.7358A>G, p.Glu2453Gly (NM_001406720.1, NM_001432077.1); c.2426A>G, p.Glu809Gly (NM_001406721.1); c.941A>G, p.Glu314Gly (NM_001406722.1); short protein forms E2421G, E2453G, E314G, E809G.
Identifiers: ClinVar variation 4876232 (VCV004876232.1).

ClinVar aggregate classification (germline): Uncertain significance (1 of 4 stars; one submission).

Conditions:
Breast-ovarian cancer, familial, susceptibility to, 2 (BROVCA2). Also called: BRCA2 Hereditary Breast and Ovarian Cancer. Identifiers: Orphanet 145, MedGen C2675520, MONDO:0012933, OMIM 612555. Disease mechanism: loss of function.

Submission:

KCCC/NGS Laboratory, Kuwait Cancer Control Center
Classification: Uncertain significance for Breast-ovarian cancer, familial, susceptibility to, 2. Last evaluated: 2026-07-06. Review status: criteria provided, single submitter. Criteria: ACMG Guidelines, 2015. Collection method: clinical testing. Allele origin: germline. Inheritance: Autosomal dominant inheritance. Affected: yes.
Comment: A Variant of uncertain significance was detected in BRCA2 gene ( c.7358A>G ,NM_000059.3 ).This sequence change replaces glutamic acid, which is acidic and polar, with glycine at codon 2453 of the BRCA2 protein (p.Glu2453Gly). This variant is not present in population databases (gnomAD no frequency). This variant has not been reported in the literature in individuals affected with BRCA2-related conditions. In summary, the available evidence is currently insufficient to determine the role of this variant in disease. Therefore, it has been classified as a Variant of Uncertain Significance.